The following is an entry in ClinVar:

NM_138694.4(PKHD1):c.11174_11175-4798del

Gene: PKHD1 (PKHD1 ciliary IPT domain containing fibrocystin/polyductin; minus strand). Cytogenetic location: 6p12.3.
Variant type: Deletion.
Coding change: c.11174_11175-4798del on transcript NM_138694.4 (MANE Select); coding-DNA position 11174 through 4798 bases into the intron before coding-DNA position 11175, 4,935 bases deleted.
Molecular consequence: splice donor variant.
Genome position (GRCh38, 1-based): chr6:51,654,018-51,658,952, 4,935 bases deleted. GRCh37 (hg19): chr6:51,518,816-51,523,750.
Identifiers: ClinVar variation 644726 (VCV000644726.1), ClinGen allele CA915944265.

ClinVar aggregate classification (germline): Likely pathogenic (1 of 4 stars; one submission).

Conditions:
Autosomal recessive polycystic kidney disease (ARPKD). Also called: AR polycystic kidney disease. Identifiers: Orphanet 731, Orphanet 8378, MedGen C0085548, MeSH D017044, MONDO:0009889.

Submission:

Labcorp Genetics (formerly Invitae), Labcorp
Classification: Likely pathogenic for Autosomal recessive polycystic kidney disease. Last evaluated: 2018-07-30. Review status: criteria provided, single submitter. Criteria: Invitae Variant Classification Sherloc (09022015). Collection method: clinical testing. Allele origin: germline.
Comment: This variant is a deletion of the genomic region encompassing part of exon 61 (c.11174_11175-4798del) of the PKHD1 gene. It is expected to disrupt RNA splicing and likely results in an absent or disrupted protein product. This variant has not been reported in the literature in individuals with PKHD1-related disease. Loss-of-function variants in PKHD1 are known to be pathogenic (PMID: 19940839). In summary, the currently available evidence indicates that the variant is pathogenic, but additional data are needed to prove that conclusively. Therefore, this variant has been classified as Likely Pathogenic.